The following is an entry in ClinVar:

NM_053054.4(CATSPER1):c.923C>T (p.Ala308Val)

Gene: CATSPER1 (cation channel sperm associated 1; minus strand). Cytogenetic location: 11q13.1.
Variant type: single nucleotide variant.
Coding change: c.923C>T on transcript NM_053054.4 (MANE Select); coding-DNA position 923, C replaced by T.
Protein change: p.Ala308Val; replaces alanine 308 with valine.
Molecular consequence: missense variant.
Genome position (GRCh38, 1-based): chr11:66,025,457, G>A on the plus strand (C>T on the coding strand, the complement: CATSPER1 is on the minus strand). VCF-style: chr11-66025457-G-A. GRCh37 (hg19) VCF-style: chr11-65792928-G-A.
Other names: short protein forms A308V.
Identifiers: ClinVar variation 3058789 (VCV003058789.2), dbSNP rs141376441, ClinGen allele CA6114836.

ClinVar aggregate classification (germline): Likely benign (0 of 4 stars; one submission).

Conditions:
CATSPER1-related disorder. Also called: CATSPER1-related condition.

Allele frequency attached by ClinVar (database versions not stated): ESP Exome Variant Server 0.00108; gnomAD 0.00164; TOPMed 0.00197; 1000 Genomes Project 0.00240; 1000 Genomes Project 30x 0.00250.
gnomAD v4.1: 571 of 1,613,518 alleles (0.035%); highest among the groups gnomAD compares: African/African-American, 0.56%; 2 homozygotes.

Submission:

PreventionGenetics, part of Exact Sciences
Classification: Likely benign for CATSPER1-related condition. Last evaluated: 2020-04-02. Review status: no assertion criteria provided. Collection method: clinical testing. Allele origin: germline.
Comment: This variant is classified as likely benign based on ACMG/AMP sequence variant interpretation guidelines (Richards et al. 2015 PMID: 25741868, with internal and published modifications).